The following is an entry in ClinVar:

NM_001330260.2(SCN8A):c.800T>C (p.Leu267Ser)

Gene: SCN8A (sodium voltage-gated channel alpha subunit 8; plus strand). Cytogenetic location: 12q13.13.
Variant type: single nucleotide variant.
Coding change: c.800T>C on transcript NM_001330260.2 (MANE Select); coding-DNA position 800, T replaced by C.
Protein change: p.Leu267Ser; replaces leucine 267 with serine.
Molecular consequence: missense variant.
Genome position (GRCh38, 1-based): chr12:51,699,663, T>C. VCF-style: chr12-51699663-T-C. GRCh37 (hg19) VCF-style: chr12-52093447-T-C.
Other names: c.800T>C, p.Leu267Ser (NM_014191.4, NM_001177984.3, NM_001369788.1); short protein forms L267S.
Identifiers: ClinVar variation 236207 (VCV000236207.13), dbSNP rs878853250, ClinGen allele CA10581564.

ClinVar aggregate classification (germline): Pathogenic. Review status: criteria provided, multiple submitters, no conflicts (2 of 4 stars). 3 submissions from 3 submitters: Pathogenic (2). 1 of the submissions does not count toward it. Last evaluated 2025-08-21.

Conditions:
Early-infantile DEE. Also called: Ohtahara syndrome; Early infantile epileptic encephalopathy; Early infantile epileptic encephalopathy with suppression bursts. Identifiers: Orphanet 1934, MedGen C0393706, MONDO:0800491.
Developmental stagnation at onset of seizures. Identifiers: MedGen C1836829, HP:0006834.
Generalized tonic seizure. Also called: Generalized tonic seizures. Identifiers: MedGen C1836508, HP:0010818.
Severe intellectual disability. Identifiers: MedGen C0036857, HP:0010864.
Developmental regression. Also called: C1836830. Identifiers: MedGen C1836830, HP:0002376.
Epileptic encephalopathy. Identifiers: MedGen C0543888, HP:0200134.
Global developmental delay (DD). Also called: Cognitive delay. Identifiers: MedGen C0557874, HP:0001263. Disease mechanism: loss of function.

Submissions (3):

Labcorp Genetics (formerly Invitae), Labcorp
Classification: Pathogenic for Early-infantile DEE. Last evaluated: 2025-08-21. Review status: criteria provided, single submitter. Criteria: Invitae Variant Classification Sherloc (09022015). Collection method: clinical testing. Allele origin: germline.
Comment: This sequence change replaces leucine, which is neutral and non-polar, with serine, which is neutral and polar, at codon 267 of the SCN8A protein (p.Leu267Ser). This variant is not present in population databases (gnomAD no frequency). This missense change has been observed in individual(s) with clinical features of early infantile epileptic encephalopathy (PMID: 4431999, 27900360, 30109124). In at least one individual the variant was observed to be de novo. ClinVar contains an entry for this variant (Variation ID: 236207). Invitae Evidence Modeling of protein sequence and biophysical properties (such as structural, functional, and spatial information, amino acid conservation, physicochemical variation, residue mobility, and thermodynamic stability) indicates that this missense variant is expected to disrupt SCN8A protein function with a positive predictive value of 95%. For these reasons, this variant has been classified as Pathogenic.

GeneDx
Classification: Pathogenic. Last evaluated: 2024-01-16. Review status: criteria provided, single submitter. Criteria: GeneDx Variant Classification Process June 2021. Collection method: clinical testing. Allele origin: germline. Affected: yes.
Comment: Not observed at significant frequency in large population cohorts (gnomAD); In silico analysis supports that this missense variant has a deleterious effect on protein structure/function; Missense variants in this gene are a common cause of disease and they are underrepresented in the general population; This substitution is predicted to be within the transmembrane segment S5 of the first homologous domain; This variant is associated with the following publications: (PMID: 30109124, 32090326, 31887642, 27900360)

Lyon Laboratory, Cold Spring Harbor Laboratory
Classification: Pathogenic for Epileptic encephalopathy; Generalized tonic seizure; Global developmental delay; Developmental stagnation at onset of seizures; Severe intellectual disability; Developmental regression. Review status: no assertion criteria provided. Collection method: clinical testing. Allele origin: de novo. Affected: yes. Observed: 1 variant allele. Not counted in ClinVar's aggregate classification.

Literature cited by the submitters: PubMed 4431999 (cited by Labcorp Genetics (formerly Invitae), Labcorp); PubMed 27900360 (cited by Labcorp Genetics (formerly Invitae), Labcorp); PubMed 30109124 (cited by Labcorp Genetics (formerly Invitae), Labcorp).